The following is an entry in ClinVar:

ClinVar aggregate classification (germline): Benign/Likely benign. Review status: criteria provided, multiple submitters, no conflicts (2 of 4 stars). 3 submissions from 3 submitters: Benign (1); Likely benign (2). Last evaluated 2024-11-14.

Conditions:
Papillary renal cell carcinoma type 1 (RCCP1). Also called: RENAL CELL CARCINOMA, PAPILLARY, 1, SOMATIC; Renal adenocarcinoma; Renal cell carcinoma 1; Renal cell carcinoma, somatic. Identifiers: Orphanet 47044, MedGen C1336839, OMIM 605074, HP:0011797.
Hereditary cancer-predisposing syndrome. Also called: Hereditary Cancer Syndrome; Hereditary neoplastic syndrome; Neoplastic Syndromes, Hereditary; Tumor predisposition. Identifiers: Orphanet 140162, MedGen C0027672, MeSH D009386, MONDO:0015356.

Allele frequency attached by ClinVar (database versions not stated): TOPMed below 0.00001; gnomAD 0.00001.
gnomAD v4.1: 1 of 1,614,042 alleles (0.000062%); highest among the groups gnomAD compares: Non-Finnish European, 0.000085%; no homozygotes.

Submissions (3):

Myriad Genetics, Inc.
Classification: Benign for Papillary renal cell carcinoma type 1. Last evaluated: 2024-11-14. Review status: criteria provided, single submitter. Criteria: Myriad Autosomal Dominant, Autosomal Recessive and X-Linked Classification Criteria (2023). Collection method: clinical testing. Allele origin: unknown.
Comment: This variant is considered benign. This variant is a silent/synonymous amino acid change and it is not expected to impact splicing.

Blueprint Genetics
Classification: Likely benign. Last evaluated: 2023-01-09. Review status: criteria provided, single submitter. Criteria: ACMG Guidelines, 2015. Collection method: clinical testing. Allele origin: germline.

Ambry Genetics
Classification: Likely benign for Hereditary cancer-predisposing syndrome. Last evaluated: 2022-09-03. Review status: criteria provided, single submitter. Criteria: Ambry Variant Classification Scheme 2023. Collection method: clinical testing. Allele origin: germline.

NM_000245.4(MET):c.3735G>T (p.Leu1245=)

Gene: MET (MET proto-oncogene, receptor tyrosine kinase; plus strand). Cytogenetic location: 7q31.2.
Variant type: single nucleotide variant.
Coding change: c.3735G>T on transcript NM_000245.4 (MANE Select); coding-DNA position 3735, G replaced by T.
Protein change: p.Leu1245=; no amino-acid change (leucine 1245 retained).
Molecular consequence: synonymous variant.
Genome position (GRCh38, 1-based): chr7:116,783,406, G>T. VCF-style: chr7-116783406-G-T. GRCh37 (hg19) VCF-style: chr7-116423460-G-T.
Other names: c.3789G>T, p.Leu1263= (NM_001127500.3); c.2445G>T, p.Leu815= (NM_001324402.2).
Identifiers: ClinVar variation 1734910 (VCV001734910.4), dbSNP rs1323787899, ClinGen allele CA457219498.